The following is an entry in ClinVar:

NM_206933.4(USH2A):c.9958+4A>G

Gene: USH2A (usherin; minus strand). Cytogenetic location: 1q41.
Variant type: single nucleotide variant.
Coding change: c.9958+4A>G on transcript NM_206933.4 (MANE Select); 4 bases into the intron after coding-DNA position 9958, A replaced by G.
Molecular consequence: intron variant.
Genome position (GRCh38, 1-based): chr1:215,798,903, T>C on the plus strand (A>G on the coding strand, the complement: USH2A is on the minus strand). VCF-style: chr1-215798903-T-C. GRCh37 (hg19) VCF-style: chr1-215972245-T-C.
Identifiers: ClinVar variation 2141582 (VCV002141582.2), dbSNP rs1206585015, ClinGen allele CA529002307.

ClinVar aggregate classification (germline): Uncertain significance. Review status: criteria provided, multiple submitters, no conflicts (2 of 4 stars). 2 submissions from 2 submitters: Uncertain significance (2). Last evaluated 2024-09-09.

Allele frequency attached by ClinVar (database versions not stated): gnomAD exomes below 0.00001.
gnomAD v4.1: 2 of 1,614,058 alleles (0.00012%); highest among the groups gnomAD compares: Admixed American, 0.0017%; no homozygotes.

Submissions (2):

Women's Health and Genetics/Laboratory Corporation of America, LabCorp
Classification: Uncertain significance. Last evaluated: 2024-09-09. Review status: criteria provided, single submitter. Criteria: LabCorp Variant Classification Summary - May 2015. Collection method: clinical testing. Allele origin: germline.

Labcorp Genetics (formerly Invitae), Labcorp
Classification: Uncertain significance. Last evaluated: 2020-03-16. Review status: criteria provided, single submitter. Criteria: Invitae Variant Classification Sherloc (09022015). Collection method: clinical testing. Allele origin: germline.
Comment: This sequence change falls in intron 50 of the USH2A gene. It does not directly change the encoded amino acid sequence of the USH2A protein, but it affects a nucleotide within the consensus splice site of the intron. This variant is not present in population databases (ExAC no frequency). This variant has not been reported in the literature in individuals with USH2A-related conditions. Nucleotide substitutions within the consensus splice site are a relatively common cause of aberrant splicing (PMID: 17576681, 9536098). Algorithms developed to predict the effect of sequence changes on RNA splicing suggest that this variant may create or strengthen a splice site, but this prediction has not been confirmed by published transcriptional studies. In summary, the available evidence is currently insufficient to determine the role of this variant in disease. Therefore, it has been classified as a Variant of Uncertain Significance.

Literature cited by the submitters: PubMed 17576681 (cited by Labcorp Genetics (formerly Invitae), Labcorp); PubMed 9536098 (cited by Labcorp Genetics (formerly Invitae), Labcorp).